The following is an entry in ClinVar:

ClinVar aggregate classification (germline): Uncertain significance. Review status: criteria provided, multiple submitters, no conflicts (2 of 4 stars). 2 submissions from 2 submitters: Uncertain significance (2). Last evaluated 2023-12-05.

Allele frequency attached by ClinVar (database versions not stated): gnomAD exomes below 0.00001; TOPMed 0.00002; gnomAD 0.00004.
gnomAD v4.1: 7 of 1,614,058 alleles (0.00043%); highest among the groups gnomAD compares: African/African-American, 0.0093%; no homozygotes.

Submissions (2):

Labcorp Genetics (formerly Invitae), Labcorp
Classification: Uncertain significance. Last evaluated: 2023-12-05. Review status: criteria provided, single submitter. Criteria: Invitae Variant Classification Sherloc (09022015). Collection method: clinical testing. Allele origin: germline.
Comment: This sequence change replaces phenylalanine, which is neutral and non-polar, with leucine, which is neutral and non-polar, at codon 806 of the A2ML1 protein (p.Phe806Leu). This variant is present in population databases (no rsID available, gnomAD 0.007%). This variant has not been reported in the literature in individuals affected with A2ML1-related conditions. ClinVar contains an entry for this variant (Variation ID: 285208). An algorithm developed to predict the effect of missense changes on protein structure and function (PolyPhen-2) suggests that this variant is likely to be disruptive. In summary, the available evidence is currently insufficient to determine the role of this variant in disease. Therefore, it has been classified as a Variant of Uncertain Significance.

Eurofins Ntd Llc (ga)
Classification: Uncertain significance. Last evaluated: 2015-12-10. Review status: criteria provided, single submitter. Criteria: EGL Classification Definitions 2015. Collection method: clinical testing. Allele origin: germline. Observed: 1 variant allele, 1 heterozygote.

NM_144670.6(A2ML1):c.2416T>C (p.Phe806Leu)

Gene: A2ML1 (alpha-2-macroglobulin like 1; plus strand). Cytogenetic location: 12p13.31.
Variant type: single nucleotide variant.
Coding change: c.2416T>C on transcript NM_144670.6 (MANE Select); coding-DNA position 2416, T replaced by C.
Protein change: p.Phe806Leu; replaces phenylalanine 806 with leucine.
Molecular consequence: missense variant.
Genome position (GRCh38, 1-based): chr12:8,851,965, T>C. VCF-style: chr12-8851965-T-C. GRCh37 (hg19) VCF-style: chr12-9004561-T-C.
Other names: c.943T>C, p.Phe315Leu (NM_001282424.3); short protein forms F806L, F315L.
Identifiers: ClinVar variation 285208 (VCV000285208.9), dbSNP rs886043044, ClinGen allele CA10605037.